The following is an entry in ClinVar:

NM_001283009.2(RTEL1):c.3485G>A (p.Arg1162Lys)

Genes: RTEL1 (regulator of telomere elongation helicase 1; plus strand), RTEL1-TNFRSF6B (RTEL1-TNFRSF6B readthrough (NMD candidate); plus strand). Cytogenetic location: 20q13.33.
Variant type: single nucleotide variant.
Coding change: c.3485G>A on transcript NM_001283009.2 (MANE Select); coding-DNA position 3485, G replaced by A.
Protein change: p.Arg1162Lys; replaces arginine 1162 with lysine.
Molecular consequence: missense variant. On other transcripts: non-coding transcript variant (1).
Genome position (GRCh38, 1-based): chr20:63,695,207, G>A. VCF-style: chr20-63695207-G-A. GRCh37 (hg19) VCF-style: chr20-62326560-G-A.
Other names: c.2816G>A, p.Arg939Lys (NM_001283010.1); c.3485G>A, p.Arg1162Lys (NM_016434.4); c.3557G>A, p.Arg1186Lys (NM_032957.5); short protein forms R1186K, R1162K, R939K.
Identifiers: ClinVar variation 3791105 (VCV003791105.1).
Genomic context (GRCh38, chr20:63,695,207, plus strand): 5'-GCATGGAGCCACCGGGACCCCAGGAGGAGAGGCTTGCCGTGCCTCCTGTGCTTACCCACA[G>A]GGCTCCCCAACCAGGTAGGGCACCTGCCTGGCTGCTCCTGGCAGCGCCCCAACCGCACGC-3'
Protein context (NP_001269938.1, residues 1152-1172): RLAVPPVLTH[Arg1162Lys]APQPGPSRSE

ClinVar aggregate classification (germline): Uncertain significance (1 of 4 stars; one submission).

Conditions:
Inborn genetic diseases. Identifiers: MedGen C0950123, MeSH D030342.

gnomAD v4.1: 1 of 1,611,992 alleles (0.000062%); no homozygotes.

Submission:

Ambry Genetics
Classification: Uncertain significance for Inborn genetic diseases. Last evaluated: 2025-01-31. Review status: criteria provided, single submitter. Criteria: Ambry Variant Classification Scheme 2023. Collection method: clinical testing. Allele origin: germline.
Comment: The p.R1162K variant (also known as c.3485G>A), located in coding exon 32 of the RTEL1 gene, results from a G to A substitution at nucleotide position 3485. The arginine at codon 1162 is replaced by lysine, an amino acid with highly similar properties. This amino acid position is conserved. In addition, this alteration is predicted to be tolerated by in silico analysis. Based on the available evidence, the clinical significance of this variant remains unclear.